The following is an entry in ClinVar:

ClinVar aggregate classification (germline): Conflicting classifications of pathogenicity. Review status: criteria provided, conflicting classifications (1 of 4 stars). 4 submissions from 4 submitters: Uncertain significance (3); Likely benign (1). Last evaluated 2025-10-23.

Conditions:
Hereditary cancer-predisposing syndrome. Also called: Hereditary neoplastic syndrome; Hereditary Cancer Syndrome; Neoplastic Syndromes, Hereditary; Tumor predisposition. Identifiers: Orphanet 140162, MedGen C0027672, MeSH D009386, MONDO:0015356.
Hereditary breast ovarian cancer syndrome. Also called: Hereditary breast and ovarian cancer syndrome; Hereditary breast and ovarian cancer syndrome (HBOC); Breast and ovarian cancer; Hereditary breast and/or ovarian cancer syndrome; Hereditary breast and ovarian cancer; BRCA1- and BRCA2-Associated Hereditary Breast and Ovarian Cancer. Identifiers: Orphanet 145, MedGen C0677776, MeSH D061325, MONDO:0003582. Disease mechanism: loss of function.

Submissions (4):

Ambry Genetics
Classification: Uncertain significance for Hereditary cancer-predisposing syndrome. Last evaluated: 2025-10-23. Review status: criteria provided, single submitter. Criteria: Ambry Variant Classification Scheme 2023. Collection method: clinical testing. Allele origin: germline.
Comment: The p.I1159V variant (also known as c.3475A>G), located in coding exon 9 of the BRCA1 gene, results from an A to G substitution at nucleotide position 3475. The isoleucine at codon 1159 is replaced by valine, an amino acid with highly similar properties. This amino acid position is not well conserved in available vertebrate species. In addition, this alteration is predicted to be tolerated by in silico analysis. Based on the available evidence, the clinical significance of this variant remains unclear.

Labcorp Genetics (formerly Invitae), Labcorp
Classification: Uncertain significance for Hereditary breast ovarian cancer syndrome. Last evaluated: 2024-10-02. Review status: criteria provided, single submitter. Criteria: Invitae Variant Classification Sherloc (09022015). Collection method: clinical testing. Allele origin: germline.
Comment: This sequence change replaces isoleucine, which is neutral and non-polar, with valine, which is neutral and non-polar, at codon 1159 of the BRCA1 protein (p.Ile1159Val). This variant is not present in population databases (gnomAD no frequency). This variant has not been reported in the literature in individuals affected with BRCA1-related conditions. ClinVar contains an entry for this variant (Variation ID: 229985). Invitae Evidence Modeling of protein sequence and biophysical properties (such as structural, functional, and spatial information, amino acid conservation, physicochemical variation, residue mobility, and thermodynamic stability) indicates that this missense variant is not expected to disrupt BRCA1 protein function with a negative predictive value of 95%. In summary, the available evidence is currently insufficient to determine the role of this variant in disease. Therefore, it has been classified as a Variant of Uncertain Significance.

University of Washington Department of Laboratory Medicine, University of Washington
Classification: Likely benign for Hereditary cancer-predisposing syndrome. Last evaluated: 2023-03-23. Review status: criteria provided, single submitter. Criteria: Dines et al. (Genet Med. 2020). Collection method: curation. Allele origin: germline.
Comment: Missense variant in a coldspot region where missense variants are very unlikely to be pathogenic (PMID:31911673).

BRCA1 coldspot (exon 11 using historical exon numbering). Reclassification based on statistical prior probability

Color Diagnostics, LLC DBA Color Health
Classification: Uncertain significance for Hereditary cancer-predisposing syndrome. Last evaluated: 2019-04-23. Review status: criteria provided, single submitter. Criteria: ACMG Guidelines, 2015. Collection method: clinical testing. Allele origin: germline.

Literature cited by the submitters: PubMed 25337278 (cited by Ambry Genetics).

NM_007294.4(BRCA1):c.3475A>G (p.Ile1159Val)

Genes: BRCA1 (BRCA1 DNA repair associated; minus strand), LOC126862571 (BRD4-independent group 4 enhancer GRCh37_chr17:41243136-41244335; plus strand). Cytogenetic location: 17q21.31.
Variant type: single nucleotide variant.
Coding change: c.3475A>G on transcript NM_007294.4 (MANE Select); coding-DNA position 3475, A replaced by G.
Protein change: p.Ile1159Val; replaces isoleucine 1159 with valine.
Molecular consequence: missense variant. On other transcripts: intron variant (135).
Genome position (GRCh38, 1-based): chr17:43,092,056, T>C on the plus strand (A>G on the coding strand, the complement: BRCA1 is on the minus strand). VCF-style: chr17-43092056-T-C. GRCh37 (hg19) VCF-style: chr17-41244073-T-C.
Other names: c.671-1024A>G (NM_001408418.1, NM_001408423.1, NM_001408420.1 and 2 more transcripts); c.788-1024A>G (NM_001407981.1, NM_007298.4, NM_001407978.1 and 17 more transcripts); c.710-1024A>G (NM_001408414.1, NM_001408411.1, NM_001408409.1 and 2 more transcripts); c.785-1024A>G (NM_001408392.1, NM_001407986.1, NM_001408400.1 and 13 more transcripts); c.644-1024A>G (NM_001408462.1, NM_001408468.1, NM_001408465.1 and 3 more transcripts); c.578-1024A>G (NM_001408514.1, NM_001408485.1, NM_001408480.1 and 9 more transcripts); c.662-1024A>G (NM_001408447.1, NM_001408433.1, NM_001408446.1 and 6 more transcripts); c.665-1024A>G (NM_001408441.1, NM_001408437.1, NM_001408429.1 and 12 more transcripts); and 41 more; short protein forms I1159V, I1112V, I1031V, I1048V, I1111V, I1158V, I291V, I1070V.
Identifiers: ClinVar variation 229985 (VCV000229985.15), dbSNP rs876658318, ClinGen allele CA10580559.